The following is an entry in ClinVar:

ClinVar aggregate classification (germline): Likely benign (1 of 4 stars; one submission).

Allele frequency attached by ClinVar (database versions not stated): gnomAD exomes 0.00136; ExAC 0.00177; ESP Exome Variant Server 0.00185; 1000 Genomes Project 0.00240; 1000 Genomes Project 30x 0.00250; gnomAD 0.00277; TOPMed 0.00337.
gnomAD v4.1: 2,481 of 1,614,190 alleles (0.15%); highest among the groups gnomAD compares: Middle Eastern, 0.79%; 9 homozygotes.

Submission:

CeGaT Center for Human Genetics Tuebingen
Classification: Likely benign. Last evaluated: 2023-03-01. Review status: criteria provided, single submitter. Criteria: CeGaT Center For Human Genetics Tuebingen Variant Classification Criteria Version 2. Collection method: clinical testing. Allele origin: germline. Affected: yes. Observed: 1 variant allele.
Comment: TUBAL3: BP4, BS2

NM_024803.3(TUBAL3):c.724G>A (p.Val242Ile)

Gene: TUBAL3 (tubulin alpha like 3; minus strand). Cytogenetic location: 10p15.1.
Variant type: single nucleotide variant.
Coding change: c.724G>A on transcript NM_024803.3 (MANE Select); coding-DNA position 724, G replaced by A.
Protein change: p.Val242Ile; replaces valine 242 with isoleucine.
Molecular consequence: missense variant.
Genome position (GRCh38, 1-based): chr10:5,394,134, C>T on the plus strand (G>A on the coding strand, the complement: TUBAL3 is on the minus strand). VCF-style: chr10-5394134-C-T. GRCh37 (hg19) VCF-style: chr10-5436097-C-T.
Other names: c.604G>A, p.Val202Ile (NM_001171864.2); short protein forms V202I, V242I.
Identifiers: ClinVar variation 2640287 (VCV002640287.24), dbSNP rs115615637, ClinGen allele CA5391984.